The following is an entry in ClinVar:

ClinVar aggregate classification (germline): Uncertain significance. Review status: criteria provided, multiple submitters, no conflicts (2 of 4 stars). 2 submissions from 2 submitters: Uncertain significance (2). Last evaluated 2025-12-02.

Conditions:
Autosomal recessive limb-girdle muscular dystrophy type 2Q (LGMDR17). Also called: MUSCULAR DYSTROPHY, LIMB-GIRDLE, AUTOSOMAL RECESSIVE 17. Identifiers: Orphanet 254361, MedGen C3150989, MONDO:0013390, OMIM 613723.
Epidermolysis bullosa simplex 5B, with muscular dystrophy (EBS5B). Also called: Epidermolysis bullosa simplex with muscular dystrophy; EPIDERMOLYSIS BULLOSA SIMPLEX AND LIMB-GIRDLE MUSCULAR DYSTROPHY. Identifiers: Orphanet 257, MedGen C2931072, MONDO:0009181, OMIM 226670.
Epidermolysis bullosa simplex, Ogna type (EBS5A). Also called: EPIDERMOLYSIS BULLOSA SIMPLEX 5A, OGNA TYPE; Pidermolysis bullosa simplex 5A, Ogna type. Identifiers: Orphanet 79401, MedGen C0432317, MONDO:0007555, OMIM 131950.
Epidermolysis bullosa simplex 5C, with pyloric atresia (EBS5C). Also called: PLEC-Related Epidermolysis Bullosa with Pyloric Atresia; Epidermolysis bullosa simplex with pyloric atresia; PLEC1-Related Epidermolysis Bullosa with Pyloric Atresia. Identifiers: Orphanet 158684, MedGen C2677349, MONDO:0012807, OMIM 612138.
Epidermolysis bullosa simplex with nail dystrophy (EBS5D). Identifiers: MedGen C4225309, MONDO:0014661, OMIM 616487.

Allele frequency attached by ClinVar (database versions not stated): gnomAD exomes 0.00003; gnomAD 0.00006; ESP Exome Variant Server 0.00008; TOPMed 0.00008.
gnomAD v4.1: 21 of 1,612,454 alleles (0.0013%); highest among the groups gnomAD compares: African/African-American, 0.017%; no homozygotes.

Submissions (2):

Labcorp Genetics (formerly Invitae), Labcorp
Classification: Uncertain significance for Autosomal recessive limb-girdle muscular dystrophy type 2Q; Epidermolysis bullosa simplex, Ogna type; Epidermolysis bullosa simplex with nail dystrophy; Epidermolysis bullosa simplex 5C, with pyloric atresia; Epidermolysis bullosa simplex 5B, with muscular dystrophy. Last evaluated: 2025-12-02. Review status: criteria provided, single submitter. Criteria: Invitae Variant Classification Sherloc (09022015). Collection method: clinical testing. Allele origin: germline.
Comment: This sequence change replaces glycine, which is neutral and non-polar, with alanine, which is neutral and non-polar, at codon 572 of the PLEC protein (p.Gly572Ala). This variant is present in population databases (rs374036967, gnomAD 0.01%). This variant has not been reported in the literature in individuals affected with PLEC-related conditions. ClinVar contains an entry for this variant (Variation ID: 583342). Invitae Evidence Modeling of protein sequence and biophysical properties (such as structural, functional, and spatial information, amino acid conservation, physicochemical variation, residue mobility, and thermodynamic stability) indicates that this missense variant is not expected to disrupt PLEC protein function with a negative predictive value of 80%. In summary, the available evidence is currently insufficient to determine the role of this variant in disease. Therefore, it has been classified as a Variant of Uncertain Significance.

Blueprint Genetics
Classification: Uncertain significance. Last evaluated: 2024-05-02. Review status: criteria provided, single submitter. Criteria: ACMG Guidelines, 2015. Collection method: clinical testing. Allele origin: germline.

NM_201384.3(PLEC):c.1634G>C (p.Gly545Ala)

Gene: PLEC (plectin; minus strand). Cytogenetic location: 8q24.3.
Variant type: single nucleotide variant.
Coding change: c.1634G>C on transcript NM_201384.3 (MANE Select); coding-DNA position 1634, G replaced by C.
Protein change: p.Gly545Ala; replaces glycine 545 with alanine.
Molecular consequence: missense variant.
Genome position (GRCh38, 1-based): chr8:143,932,896, C>G on the plus strand (G>C on the coding strand, the complement: PLEC is on the minus strand). VCF-style: chr8-143932896-C-G. GRCh37 (hg19) VCF-style: chr8-145007064-C-G.
Other names: c.1715G>C, p.Gly572Ala (NM_000445.5); c.1592G>C, p.Gly531Ala (NM_201378.4); c.1568G>C, p.Gly523Ala (NM_201379.3); c.2045G>C, p.Gly682Ala (NM_201380.4); c.1538G>C, p.Gly513Ala (NM_201381.3); c.1634G>C, p.Gly545Ala (NM_201382.4); c.1646G>C, p.Gly549Ala (NM_201383.3); short protein forms G523A, G531A, G545A, G513A, G549A, G682A, G572A.
Identifiers: ClinVar variation 583342 (VCV000583342.9), dbSNP rs374036967, ClinGen allele CA187622076.